The following is an entry in ClinVar:

NM_001395891.1(CLASP1):c.196-562G>T

Genes: CLASP1 (cytoplasmic linker associated protein 1; minus strand), CLASP1-AS1 (CLASP1 antisense RNA 1; plus strand), RNU4ATAC (RNA, U4atac small nuclear; plus strand). Cytogenetic location: 2q14.2.
Variant type: single nucleotide variant.
Coding change: c.196-562G>T on transcript NM_001395891.1 (MANE Select); 562 bases into the intron before coding-DNA position 196, G replaced by T.
Molecular consequence: intron variant.
Genome position (GRCh38, 1-based): chr2:121,530,887, C>A on the plus strand (G>T on the coding strand, the complement: CLASP1 is on the minus strand). VCF-style: chr2-121530887-C-A. GRCh37 (hg19) VCF-style: chr2-122288463-C-A.
Other names: 8C-A; c.196-562G>T (NM_001142274.2, NM_015282.3, NM_001378003.1 and 4 more transcripts).
Identifiers: ClinVar variation 692040 (VCV000692040.3), dbSNP rs370715569, ClinGen allele CA428887776.

ClinVar aggregate classification (germline): Likely pathogenic. Review status: criteria provided, single submitter (1 of 4 stars). 2 submissions from 2 submitters: Likely pathogenic (1). 1 of the submissions does not count toward it. Last evaluated 2018-07-16.

Conditions:
Lowry-Wood syndrome (LWS). Identifiers: Orphanet 1824, MedGen C0796021, MONDO:0009191, OMIM 226960.

gnomAD v4.1: 3 of 692,978 alleles (0.00043%); highest among the groups gnomAD compares: South Asian, 0.0015%; no homozygotes.

Submissions (2):

Rady Children's Institute for Genomic Medicine, Rady Children's Hospital San Diego
Classification: Likely pathogenic for Lowry Wood syndrome. Last evaluated: 2018-07-16. Review status: criteria provided, single submitter. Criteria: ACMG Guidelines, 2015. Collection method: clinical testing. Allele origin: germline. Affected: yes. Observed: 1 variant allele.
Comment: This variant occurs in an element of major importance for splicing in Stem II of the snRNA molecule and is therefore predicted to disrupt minor intron splicing activity (PMID: 26522830). A different nucleotide change at this position was previously reported in a compound heterozygous change in a patient with Roifman Syndrome (PMID: 26522830). The variant is absent from the ExAC and gnomAD population databases and thus is presumed to be rare. This variant was detected in trans with another CLASP1 variant classified as likely pathogenic. Based on the available evidence the variant is classified as Likely Pathogenic.

OMIM
Classification: Pathogenic for LOWRY-WOOD SYNDROME. Last evaluated: 2020-09-11. Review status: no assertion criteria provided. Collection method: literature only. Allele origin: germline. Not counted in ClinVar's aggregate classification.

Literature cited by the submitters: PubMed 30368667 (cited by OMIM).